The following is an entry in ClinVar:

NM_033100.4(CDHR1):c.862+1G>T

Gene: CDHR1 (cadherin related family member 1; plus strand). Cytogenetic location: 10q23.1.
Variant type: single nucleotide variant.
Coding change: c.862+1G>T on transcript NM_033100.4 (MANE Select); the canonical splice donor site of the intron after coding-DNA position 862, G replaced by T.
Molecular consequence: splice donor variant.
Genome position (GRCh38, 1-based): chr10:84,204,606, G>T. VCF-style: chr10-84204606-G-T. GRCh37 (hg19) VCF-style: chr10-85964362-G-T.
Other names: c.862+1G>T (NM_001171971.3).
Identifiers: ClinVar variation 2754324 (VCV002754324.3), dbSNP rs2492505338, ClinGen allele CA377373546.

ClinVar aggregate classification (germline): Likely pathogenic (1 of 4 stars; one submission).

Submission:

Labcorp Genetics (formerly Invitae), Labcorp
Classification: Likely pathogenic. Last evaluated: 2023-08-11. Review status: criteria provided, single submitter. Criteria: Invitae Variant Classification Sherloc (09022015). Collection method: clinical testing. Allele origin: germline.
Comment: This sequence change affects a donor splice site in intron 9 of the CDHR1 gene. It is expected to disrupt RNA splicing. Variants that disrupt the donor or acceptor splice site typically lead to a loss of protein function (PMID: 16199547), and loss-of-function variants in CDHR1 are known to be pathogenic (PMID: 23044944, 23591405, 26103963, 26261414). In summary, the currently available evidence indicates that the variant is pathogenic, but additional data are needed to prove that conclusively. Therefore, this variant has been classified as Likely Pathogenic. Algorithms developed to predict the effect of sequence changes on RNA splicing suggest that this variant may disrupt the consensus splice site. Disruption of this splice site has been observed in individual(s) with retinal dystrophy (Invitae). This variant is not present in population databases (gnomAD no frequency).

Literature cited by the submitters: PubMed 16199547; PubMed 23044944; PubMed 23591405; PubMed 26103963; PubMed 26261414.